The following is an entry in ClinVar:

NM_001363711.2(DUOX2):c.2334+6A>G

Gene: DUOX2 (dual oxidase 2; minus strand). Cytogenetic location: 15q21.1.
Variant type: single nucleotide variant.
Coding change: c.2334+6A>G on transcript NM_001363711.2 (MANE Select); 6 bases into the intron after coding-DNA position 2334, A replaced by G.
Molecular consequence: intron variant.
Genome position (GRCh38, 1-based): chr15:45,105,637, T>C on the plus strand (A>G on the coding strand, the complement: DUOX2 is on the minus strand). VCF-style: chr15-45105637-T-C. GRCh37 (hg19) VCF-style: chr15-45397835-T-C.
Other names: c.2334+6A>G (NM_014080.5).
Identifiers: ClinVar variation 3703187 (VCV003703187.2).
Genomic context (GRCh38, chr15:45,105,637, plus strand): 5'-TATGCAGCCCAGGTTTCCTCCATTTCTGGGGCTGGACCCATCTCCAAAAGGCACAGGTCA[T>C]GGCACCTGAGCAAAAAGGTGTCTGAAGAAGATCTCCAGGATGCGTTCCCGCTGCTGCTTT-3'

ClinVar aggregate classification (germline): Uncertain significance (1 of 4 stars; one submission).

gnomAD v4.1: 43 of 1,614,086 alleles (0.0027%); highest among the groups gnomAD compares: African/African-American, 0.053%; no homozygotes.

Submission:

Labcorp Genetics (formerly Invitae), Labcorp
Classification: Uncertain significance. Last evaluated: 2025-07-30. Review status: criteria provided, single submitter. Criteria: Invitae Variant Classification Sherloc (09022015). Collection method: clinical testing. Allele origin: germline.
Comment: This sequence change falls in intron 18 of the DUOX2 gene. It does not directly change the encoded amino acid sequence of the DUOX2 protein. It affects a nucleotide within the consensus splice site. This variant is present in population databases (rs377668847, gnomAD 0.06%). This variant has not been reported in the literature in individuals affected with DUOX2-related conditions. ClinVar contains an entry for this variant (Variation ID: 3703187). Variants that disrupt the consensus splice site are a relatively common cause of aberrant splicing (PMID: 17576681, 9536098). Algorithms developed to predict the effect of sequence changes on RNA splicing suggest that this variant is not likely to affect RNA splicing. In summary, the available evidence is currently insufficient to determine the role of this variant in disease. Therefore, it has been classified as a Variant of Uncertain Significance.

Literature cited by the submitters: PubMed 17576681; PubMed 9536098.